The following is an entry in ClinVar:

NM_003151.4(STAT4):c.1589A>T (p.Asp530Val)

Gene: STAT4 (signal transducer and activator of transcription 4; minus strand). Cytogenetic location: 2q32.2.
Variant type: single nucleotide variant.
Coding change: c.1589A>T on transcript NM_003151.4 (MANE Select); coding-DNA position 1589, A replaced by T.
Protein change: p.Asp530Val; replaces aspartic acid 530 with valine.
Molecular consequence: missense variant.
Genome position (GRCh38, 1-based): chr2:191,034,579, T>A on the plus strand (A>T on the coding strand, the complement: STAT4 is on the minus strand). VCF-style: chr2-191034579-T-A. GRCh37 (hg19) VCF-style: chr2-191899305-T-A.
Other names: c.1589A>T, p.Asp530Val (NM_001243835.2); short protein forms D530V.
Identifiers: ClinVar variation 3690979 (VCV003690979.2).

ClinVar aggregate classification (germline): Uncertain significance (1 of 4 stars; one submission).

Submission:

Labcorp Genetics (formerly Invitae), Labcorp
Classification: Uncertain significance. Last evaluated: 2024-02-18. Review status: criteria provided, single submitter. Criteria: Invitae Variant Classification Sherloc (09022015). Collection method: clinical testing. Allele origin: germline.
Comment: This sequence change replaces aspartic acid, which is acidic and polar, with valine, which is neutral and non-polar, at codon 530 of the STAT4 protein (p.Asp530Val). This variant is present in population databases (no rsID available, gnomAD 0.0009%). This variant has not been reported in the literature in individuals affected with STAT4-related conditions. Advanced modeling of protein sequence and biophysical properties (such as structural, functional, and spatial information, amino acid conservation, physicochemical variation, residue mobility, and thermodynamic stability) has been performed at Invitae for this missense variant, however the output from this modeling did not meet the statistical confidence thresholds required to predict the impact of this variant on STAT4 protein function. Algorithms developed to predict the effect of sequence changes on RNA splicing suggest that this variant may disrupt the consensus splice site. In summary, the available evidence is currently insufficient to determine the role of this variant in disease. Therefore, it has been classified as a Variant of Uncertain Significance.